The following is an entry in ClinVar:

NC_000023.11:g.(?_31679355)_(31679606_?)del

Gene: DMD (dystrophin; minus strand). Cytogenetic location: Xp21.1.
Variant type: Deletion.
Identifiers: ClinVar variation 584206 (VCV000584206.7).

ClinVar aggregate classification (germline): Pathogenic (1 of 4 stars; one submission).

Conditions:
Duchenne muscular dystrophy (DMD). Also called: MUSCULAR DYSTROPHY, PSEUDOHYPERTROPHIC PROGRESSIVE, DUCHENNE TYPE; Duchenne Muscular Dystrophy (DMD). Identifiers: Orphanet 98896, MedGen C0013264, MONDO:0010679, OMIM 310200.

Submission:

Labcorp Genetics (formerly Invitae), Labcorp
Classification: Pathogenic for Duchenne muscular dystrophy. Last evaluated: 2023-03-23. Review status: criteria provided, single submitter. Criteria: Invitae Variant Classification Sherloc (09022015). Collection method: clinical testing. Allele origin: germline.
Comment: For these reasons, this variant has been classified as Pathogenic. A similar copy number variant has been observed in individuals with Duchenne muscular dystrophy (PMID: 12111668, 21515508, 21969337, 27206868). This variant is a gross deletion of the genomic region encompassing exon(s) 53 of the DMD gene. This deletion is out-of-frame, and is expected to create a premature termination codon and result in an absent or disrupted protein product. Loss-of-function variants in DMD are known to be pathogenic (PMID: 16770791, 25007885).

Literature cited by the submitters: PubMed 12111668; PubMed 21515508; PubMed 21969337; PubMed 27206868; PubMed 16770791; PubMed 25007885.